The following is an entry in ClinVar:

NM_000702.4(ATP1A2):c.764T>C (p.Ile255Thr)

Gene: ATP1A2 (ATPase Na+/K+ transporting subunit alpha 2; plus strand). Cytogenetic location: 1q23.2.
Variant type: single nucleotide variant.
Coding change: c.764T>C on transcript NM_000702.4 (MANE Select); coding-DNA position 764, T replaced by C.
Protein change: p.Ile255Thr; replaces isoleucine 255 with threonine.
Molecular consequence: missense variant.
Genome position (GRCh38, 1-based): chr1:160,127,567, T>C. VCF-style: chr1-160127567-T-C. GRCh37 (hg19) VCF-style: chr1-160097357-T-C.
Other names: short protein forms I255T.
Identifiers: ClinVar variation 971982 (VCV000971982.8), dbSNP rs148666791, ClinGen allele CA1194285.

ClinVar aggregate classification (germline): Uncertain significance. Review status: criteria provided, multiple submitters, no conflicts (2 of 4 stars). 2 submissions from 2 submitters: Uncertain significance (2). Last evaluated 2025-11-26.

Conditions:
Familial hemiplegic migraine. Identifiers: MedGen C0338484, MONDO:0000700.
Inborn genetic diseases. Identifiers: MedGen C0950123, MeSH D030342.

Allele frequency attached by ClinVar (database versions not stated): TOPMed below 0.00001; gnomAD 0.00001; gnomAD exomes 0.00001 and 0.00002; ExAC 0.00002; ESP Exome Variant Server 0.00015.
gnomAD v4.1: 18 of 1,614,090 alleles (0.0011%); highest among the groups gnomAD compares: Non-Finnish European, 0.0015%; no homozygotes.

Submissions (2):

Ambry Genetics
Classification: Uncertain significance for Inborn genetic diseases. Last evaluated: 2025-11-26. Review status: criteria provided, single submitter. Criteria: Ambry Variant Classification Scheme 2023. Collection method: clinical testing. Allele origin: germline.
Comment: The c.764T>C (p.I255T) alteration is located in exon 8 (coding exon 8) of the ATP1A2 gene. This alteration results from a T to C substitution at nucleotide position 764, causing the isoleucine (I) at amino acid position 255 to be replaced by a threonine (T). Based on data from gnomAD, the C allele has an overall frequency of 0.001% (2/250068) total alleles studied. The highest observed frequency was 0.006% (1/16246) of African alleles. Based on insufficient or conflicting evidence, the clinical significance of this alteration remains unclear.

Labcorp Genetics (formerly Invitae), Labcorp
Classification: Uncertain significance for Familial hemiplegic migraine. Last evaluated: 2022-05-26. Review status: criteria provided, single submitter. Criteria: Invitae Variant Classification Sherloc (09022015). Collection method: clinical testing. Allele origin: germline.
Comment: This sequence change replaces isoleucine, which is neutral and non-polar, with threonine, which is neutral and polar, at codon 255 of the ATP1A2 protein (p.Ile255Thr). This variant is present in population databases (rs148666791, gnomAD 0.007%). This variant has not been reported in the literature in individuals affected with ATP1A2-related conditions. ClinVar contains an entry for this variant (Variation ID: 971982). Advanced modeling of protein sequence and biophysical properties (such as structural, functional, and spatial information, amino acid conservation, physicochemical variation, residue mobility, and thermodynamic stability) performed at Invitae indicates that this missense variant is expected to disrupt ATP1A2 protein function. In summary, the available evidence is currently insufficient to determine the role of this variant in disease. Therefore, it has been classified as a Variant of Uncertain Significance.